The following is an entry in ClinVar:

ClinVar aggregate classification (germline): Uncertain significance (1 of 4 stars; one submission).

Allele frequency attached by ClinVar (database versions not stated): gnomAD 0.00006; TOPMed 0.00008; gnomAD exomes 0.00010 and 0.00011; ExAC 0.00012.
gnomAD v4.1: 160 of 1,614,022 alleles (0.0099%); highest among the groups gnomAD compares: Non-Finnish European, 0.012%; no homozygotes.

Submission:

Labcorp Genetics (formerly Invitae), Labcorp
Classification: Uncertain significance. Last evaluated: 2021-09-01. Review status: criteria provided, single submitter. Criteria: Invitae Variant Classification Sherloc (09022015). Collection method: clinical testing. Allele origin: germline.
Comment: This sequence change replaces lysine with arginine at codon 2367 of the DNAH9 protein (p.Lys2367Arg). The lysine residue is moderately conserved and there is a small physicochemical difference between lysine and arginine. This variant is present in population databases (rs201277948, ExAC 0.02%). This variant has not been reported in the literature in individuals affected with DNAH9-related conditions. Algorithms developed to predict the effect of missense changes on protein structure and function (SIFT, PolyPhen-2, Align-GVGD) all suggest that this variant is likely to be tolerated. Algorithms developed to predict the effect of sequence changes on RNA splicing suggest that this variant may create or strengthen a splice site. In summary, the available evidence is currently insufficient to determine the role of this variant in disease. Therefore, it has been classified as a Variant of Uncertain Significance.

NM_001372.4(DNAH9):c.7100A>G (p.Lys2367Arg)

Gene: DNAH9 (dynein axonemal heavy chain 9; plus strand). Cytogenetic location: 17p12.
Variant type: single nucleotide variant.
Coding change: c.7100A>G on transcript NM_001372.4 (MANE Select); coding-DNA position 7100, A replaced by G.
Protein change: p.Lys2367Arg; replaces lysine 2367 with arginine.
Molecular consequence: missense variant.
Genome position (GRCh38, 1-based): chr17:11,763,544, A>G. VCF-style: chr17-11763544-A-G. GRCh37 (hg19) VCF-style: chr17-11666861-A-G.
Other names: short protein forms K2367R.
Identifiers: ClinVar variation 1400846 (VCV001400846.5), dbSNP rs201277948, ClinGen allele CA8396515.